The following is an entry in ClinVar:

ClinVar aggregate classification (germline): Benign. Review status: criteria provided, multiple submitters, no conflicts (2 of 4 stars). 4 submissions from 4 submitters: Benign (2). 2 of the submissions do not count toward it. Last evaluated 2026-02-01.

Conditions:
Peroxisome biogenesis disorder 6A (Zellweger). Also called: Peroxisome biogenesis disorder 6A. Identifiers: Orphanet 912, MedGen C3553947, MONDO:0013936, OMIM 614870.
Peroxisome biogenesis disorder, complementation group 7 (CG7). Also called: Peroxisome biogenesis disorder, complementation group B. Identifiers: MedGen C1864399.
Zellweger spectrum disorders (ZS). Also called: Zellweger Spectrum Disorder (ZSD); Zellweger Spectrum Disorder; Zellweger Spectrum; Zellweger syndrome. Identifiers: Orphanet 912, MedGen C0043459, MONDO:0019609.

Allele frequency attached by ClinVar (database versions not stated): gnomAD 0.00003 and 0.00070; TOPMed 0.00007; ESP Exome Variant Server 0.00008; 1000 Genomes Project 0.00399; 1000 Genomes Project 30x 0.00422.

Submissions (4):

Labcorp Genetics (formerly Invitae), Labcorp
Classification: Benign for Peroxisome biogenesis disorder, complementation group 7. Last evaluated: 2026-02-01. Review status: criteria provided, single submitter. Criteria: Invitae Variant Classification Sherloc (09022015). Collection method: clinical testing. Allele origin: germline.

Illumina Laboratory Services, Illumina
Classification: Benign for Peroxisome biogenesis disorder 6A (Zellweger). Last evaluated: 2017-04-27. Review status: criteria provided, single submitter. Criteria: ICSL Variant Classification Criteria 13 December 2019. Collection method: clinical testing. Allele origin: germline.
Comment: This variant was observed as part of a predisposition screen in an ostensibly healthy population. A literature search was performed for the gene, cDNA change, and amino acid change (where applicable). No publications were found based on this search. Allele frequency data from public databases was too high to be consistent with this variant causing disease. Therefore, this variant is classified as benign.

Natera, Inc.
Classification: Benign for Zellweger syndrome. Last evaluated: 2020-09-16. Review status: no assertion criteria provided. Collection method: clinical testing. Allele origin: germline. Not counted in ClinVar's aggregate classification.

Mayo Clinic Laboratories, Mayo Clinic
Classification: Likely benign. Last evaluated: 2017-07-26. Review status: no assertion criteria provided. Collection method: clinical testing. Allele origin: unknown. Not counted in ClinVar's aggregate classification.

NM_002617.4(PEX10):c.435G>A (p.Met145Ile)

Gene: PEX10 (peroxisomal biogenesis factor 10; minus strand). Cytogenetic location: 1p36.32.
Variant type: single nucleotide variant.
Coding change: c.435G>A on transcript NM_002617.4 (MANE Select); coding-DNA position 435, G replaced by A.
Protein change: p.Met145Ile; replaces methionine 145 with isoleucine.
Molecular consequence: missense variant. On other transcripts: initiator codon variant (2), non-coding transcript variant (1).
Genome position (GRCh38, 1-based): chr1:2,408,617, C>T on the plus strand (G>A on the coding strand, the complement: PEX10 is on the minus strand). VCF-style: chr1-2408617-C-T. GRCh37 (hg19) VCF-style: chr1-2340056-C-T.
Other names: c.435G>A, p.Met145Ile (NM_001374425.1, NM_153818.2); c.3G>A, p.Met1Ile (NM_001374426.1, NM_001374427.1); short protein forms M145I, M1I.
Identifiers: ClinVar variation 559056 (VCV000559056.20), dbSNP rs368273118, ClinGen allele CA538171.
Genomic context (GRCh38, chr1:2,408,617, plus strand): 5'-GAAGACCGCCCGCAGCAGCGCCCTCCTCTGCTGCTCAGTCAGGGTGGCCGTGTGGTGACG[C>T]ATCCAGCGCCGCGCCCCTGAGCAGCCACGCCCACCTGGCCCCAGGCTCCCCTGCAAGGGT-3'
Protein context (NP_002608.1, residues 135-155): GRGCSGARRW[Met145Ile]RHHTATLTEQ